The following is an entry in ClinVar:

ClinVar aggregate classification (germline): Uncertain significance (1 of 4 stars; one submission).

Conditions:
Birt-Hogg-Dube syndrome. Also called: Birt Hogg Dubé syndrome. Identifiers: Orphanet 122, MedGen C0346010, MONDO:0800444.

Submission:

Labcorp Genetics (formerly Invitae), Labcorp
Classification: Uncertain significance for Birt-Hogg-Dube syndrome. Last evaluated: 2025-05-05. Review status: criteria provided, single submitter. Criteria: Invitae Variant Classification Sherloc (09022015). Collection method: clinical testing. Allele origin: germline.
Comment: This sequence change falls in intron 7 of the FLCN gene. It does not directly change the encoded amino acid sequence of the FLCN protein. It affects a nucleotide within the consensus splice site. This variant is not present in population databases (gnomAD no frequency). This variant has not been reported in the literature in individuals affected with FLCN-related conditions. ClinVar contains an entry for this variant (Variation ID: 3654690). Variants that disrupt the consensus splice site are a relatively common cause of aberrant splicing (PMID: 17576681, 9536098). RNA analysis performed to evaluate the impact of this variant on mRNA splicing indicates it does not significantly alter splicing (internal data). In summary, the available evidence is currently insufficient to determine the role of this variant in disease. Therefore, it has been classified as a Variant of Uncertain Significance.

Literature cited by the submitters: PubMed 17576681; PubMed 9536098.

NM_144997.7(FLCN):c.779+6_779+43del

Gene: FLCN (folliculin; minus strand). Cytogenetic location: 17p11.2.
Variant type: Deletion.
Coding change: c.779+6_779+43del on transcript NM_144997.7 (MANE Select); bases 6 to 43 of the intron after coding-DNA position 779, 38 bases deleted.
Molecular consequence: intron variant.
Genome position (GRCh38, 1-based): chr17:17,222,458-17,222,495, 38 bases deleted; deleting any 38 consecutive bases within chr17:17,222,458-17,222,496 gives the same sequence; the c. name uses the placement nearest the transcript's 3' end. GRCh37 (hg19): chr17:17,125,773-17,125,810.
Other names: c.779+6_779+43del (NM_001353231.2, NM_001353230.2, NM_144606.7); c.833+6_833+43del (NM_001353229.2).
Identifiers: ClinVar variation 3654690 (VCV003654690.2).